The following is an entry in ClinVar:

NM_003784.4(SERPINB7):c.1045C>T (p.Leu349Phe)

Gene: SERPINB7 (serpin family B member 7; plus strand). Cytogenetic location: 18q21.33.
Variant type: single nucleotide variant.
Coding change: c.1045C>T on transcript NM_003784.4 (MANE Select); coding-DNA position 1045, C replaced by T.
Protein change: p.Leu349Phe; replaces leucine 349 with phenylalanine.
Molecular consequence: missense variant.
Genome position (GRCh38, 1-based): chr18:63,804,537, C>T. VCF-style: chr18-63804537-C-T. GRCh37 (hg19) VCF-style: chr18-61471771-C-T.
Other names: c.1045C>T, p.Leu349Phe (NM_001040147.3, NM_001261830.2); c.994C>T, p.Leu332Phe (NM_001261831.2); short protein forms L332F, L349F.
Identifiers: ClinVar variation 2957516 (VCV002957516.1), dbSNP rs1173311938, ClinGen allele CA402657421.

ClinVar aggregate classification (germline): Uncertain significance (1 of 4 stars; one submission).

Allele frequency attached by ClinVar (database versions not stated): gnomAD exomes below 0.00001.

Submission:

Labcorp Genetics (formerly Invitae), Labcorp
Classification: Uncertain significance. Last evaluated: 2023-03-09. Review status: criteria provided, single submitter. Criteria: Invitae Variant Classification Sherloc (09022015). Collection method: clinical testing. Allele origin: germline.
Comment: An algorithm developed to predict the effect of missense changes on protein structure and function (PolyPhen-2) suggests that this variant is likely to be disruptive. This variant has not been reported in the literature in individuals affected with SERPINB7-related conditions. This variant is not present in population databases (gnomAD no frequency). This sequence change replaces leucine, which is neutral and non-polar, with phenylalanine, which is neutral and non-polar, at codon 349 of the SERPINB7 protein (p.Leu349Phe). In summary, the available evidence is currently insufficient to determine the role of this variant in disease. Therefore, it has been classified as a Variant of Uncertain Significance.